The following is an entry in ClinVar:

ClinVar aggregate classification (germline): Uncertain significance (0 of 4 stars; one submission).

Conditions:
DCDC2-related disorder. Also called: DCDC2-related condition.

Submission:

PreventionGenetics, part of Exact Sciences
Classification: Uncertain significance for DCDC2-related condition. Last evaluated: 2024-01-31. Review status: no assertion criteria provided. Collection method: clinical testing. Allele origin: germline.
Comment: The DCDC2 c.745A>C variant is predicted to result in the amino acid substitution p.Lys249Gln. To our knowledge, this variant has not been reported in the literature or in a large population database, indicating this variant is rare. At this time, the clinical significance of this variant is uncertain due to the absence of conclusive functional and genetic evidence.

NM_016356.5(DCDC2):c.745A>C (p.Lys249Gln)

Gene: DCDC2 (doublecortin domain containing 2; minus strand). Cytogenetic location: 6p22.3.
Variant type: single nucleotide variant.
Coding change: c.745A>C on transcript NM_016356.5 (MANE Select); coding-DNA position 745, A replaced by C.
Protein change: p.Lys249Gln; replaces lysine 249 with glutamine.
Molecular consequence: missense variant.
Genome position (GRCh38, 1-based): chr6:24,288,866, T>G on the plus strand (A>C on the coding strand, the complement: DCDC2 is on the minus strand). VCF-style: chr6-24288866-T-G. GRCh37 (hg19) VCF-style: chr6-24289094-T-G.
Other names: c.745A>C, p.Lys249Gln (NM_001195610.2); short protein forms K249Q.
Identifiers: ClinVar variation 3057280 (VCV003057280.2), dbSNP rs2532381646, ClinGen allele CA363279252.